The following is an entry in ClinVar:

ClinVar aggregate classification (germline): Pathogenic (1 of 4 stars; one submission).

Conditions:
Alstrom syndrome (ALMS). Identifiers: Orphanet 64, MedGen C0268425, MONDO:0008763, OMIM 203800.

Submission:

Labcorp Genetics (formerly Invitae), Labcorp
Classification: Pathogenic for Alstrom syndrome. Last evaluated: 2022-11-07. Review status: criteria provided, single submitter. Criteria: Invitae Variant Classification Sherloc (09022015). Collection method: clinical testing. Allele origin: germline.
Comment: This variant has not been reported in the literature in individuals affected with ALMS1-related conditions. For these reasons, this variant has been classified as Pathogenic. ClinVar contains an entry for this variant (Variation ID: 1407361). This variant is not present in population databases (gnomAD no frequency). This sequence change creates a premature translational stop signal (p.Gln1147*) in the ALMS1 gene. It is expected to result in an absent or disrupted protein product. Loss-of-function variants in ALMS1 are known to be pathogenic (PMID: 17594715).

Literature cited by the submitters: PubMed 17594715.

NM_001378454.1(ALMS1):c.3436C>T (p.Gln1146Ter)

Gene: ALMS1 (ALMS1 centrosome and basal body associated protein; plus strand). Cytogenetic location: 2p13.1.
Variant type: single nucleotide variant.
Coding change: c.3436C>T on transcript NM_001378454.1 (MANE Select); coding-DNA position 3436, C replaced by T.
Protein change: p.Gln1146Ter; replaces glutamine 1146 with a stop codon.
Molecular consequence: nonsense.
Genome position (GRCh38, 1-based): chr2:73,449,963, C>T. VCF-style: chr2-73449963-C-T. GRCh37 (hg19) VCF-style: chr2-73677090-C-T.
Other names: c.3439C>T, p.Gln1147Ter (NM_015120.4); short protein forms Q1147*, Q1146*.
Identifiers: ClinVar variation 1407361 (VCV001407361.6), dbSNP rs2103778961, ClinGen allele CA347275643.